The following is an entry in ClinVar:

ClinVar aggregate classification (germline): Uncertain significance (1 of 4 stars; one submission).

Allele frequency attached by ClinVar (database versions not stated): gnomAD exomes below 0.00001; gnomAD 0.00002; TOPMed 0.00002.
gnomAD v4.1: 7 of 1,268,240 alleles (0.00055%); highest among the groups gnomAD compares: Admixed American, 0.025%; no homozygotes.

Submission:

Labcorp Genetics (formerly Invitae), Labcorp
Classification: Uncertain significance. Last evaluated: 2022-05-20. Review status: criteria provided, single submitter. Criteria: Invitae Variant Classification Sherloc (09022015). Collection method: clinical testing. Allele origin: germline.
Comment: In summary, the available evidence is currently insufficient to determine the role of this variant in disease. Therefore, it has been classified as a Variant of Uncertain Significance. Algorithms developed to predict the effect of missense changes on protein structure and function (SIFT, PolyPhen-2, Align-GVGD) all suggest that this variant is likely to be tolerated. This variant has not been reported in the literature in individuals affected with CARMIL2-related conditions. The frequency data for this variant in the population databases is considered unreliable, as metrics indicate poor data quality at this position in the gnomAD database. This sequence change replaces glutamic acid, which is acidic and polar, with glycine, which is neutral and non-polar, at codon 965 of the CARMIL2 protein (p.Glu965Gly).

NM_001013838.3(CARMIL2):c.2894A>G (p.Glu965Gly)

Gene: CARMIL2 (capping protein regulator and myosin 1 linker 2; plus strand). Cytogenetic location: 16q22.1.
Variant type: single nucleotide variant.
Coding change: c.2894A>G on transcript NM_001013838.3 (MANE Select); coding-DNA position 2894, A replaced by G.
Protein change: p.Glu965Gly; replaces glutamic acid 965 with glycine.
Molecular consequence: missense variant.
Genome position (GRCh38, 1-based): chr16:67,653,028, A>G. VCF-style: chr16-67653028-A-G. GRCh37 (hg19) VCF-style: chr16-67686931-A-G.
Other names: c.2786A>G, p.Glu929Gly (NM_001317026.3); short protein forms E929G, E965G.
Identifiers: ClinVar variation 1918425 (VCV001918425.4), dbSNP rs988172294, ClinGen allele CA283210303.